The following is an entry in ClinVar:

ClinVar aggregate classification (germline): Conflicting classifications of pathogenicity. Review status: criteria provided, conflicting classifications (1 of 4 stars). 20 submissions from 20 submitters: Uncertain significance (8); Likely benign (9). 3 of the submissions do not count toward it. Last evaluated 2026-07-01.

Conditions:
TTN-related disorder. Also called: TTN-related disorders; TTN-related condition; TTN-related disease.
Cardiovascular phenotype. Identifiers: MedGen CN230736.
Autosomal recessive limb-girdle muscular dystrophy type 2J (LGMDR10). Also called: MUSCULAR DYSTROPHY, LIMB-GIRDLE, AUTOSOMAL RECESSIVE 10; Limb-girdle muscular dystrophy, type 2J. Identifiers: Orphanet 140922, MedGen C1837342, MONDO:0012127, OMIM 608807.
Dilated cardiomyopathy 1G (CMD1G). Identifiers: Orphanet 154, MedGen C1858763, MONDO:0011400, OMIM 604145.
Early-onset myopathy with fatal cardiomyopathy (CMYO5). Also called: CONGENITAL MYOPATHY 5 WITH CARDIOMYOPATHY; Salih Myopathy. Identifiers: Orphanet 289377, MedGen C2673677, MONDO:0012714, OMIM 611705. Disease mechanism: loss of function.
Hypertrophic cardiomyopathy 9. Also called: Familial hypertrophic cardiomyopathy 9. Identifiers: MedGen C1861065, MONDO:0013412, OMIM 613765.
Myopathy, myofibrillar, 9, with early respiratory failure (MFM9). Also called: Myopathy, distal, with early respiratory failure, autosomal dominant; Hereditary myopathy with early respiratory failure; EDSTROM MYOPATHY; MYOPATHY, PROXIMAL, WITH EARLY RESPIRATORY MUSCLE INVOLVEMENT. Identifiers: Orphanet 178464, Orphanet 34521, MedGen C1863599, MONDO:0011362, OMIM 603689.
Tibial muscular dystrophy (TMD). Also called: Tibial muscular dystrophy, tardive; Udd Distal Myopathy – Tibial Muscular Dystrophy; UDD MYOPATHY. Identifiers: Orphanet 609, MedGen C1838244, MONDO:0010870, OMIM 600334.
Cardiomyopathy (CMYO). Also called: Cardiomyopathies. Identifiers: Orphanet 167848, MedGen C0878544, MONDO:0004994, HP:0001638. Inheritance: Various modes of inheritance.
Arrhythmogenic right ventricular dysplasia 9 (ARVD9). Also called: Arrhythmogenic Right Ventricular Dysplasia/Cardiomyopathy 9; ARRHYTHMOGENIC RIGHT VENTRICULAR DYSPLASIA, FAMILIAL, 9. Identifiers: MedGen C1836906, MONDO:0012180, OMIM 609040.
Hypertrophic cardiomyopathy. Also called: HYPERTROPHIC MYOCARDIOPATHY. Identifiers: Orphanet 217569, MedGen C0007194, MeSH D002312, MONDO:0005045, HP:0001639.

Allele frequency attached by ClinVar (database versions not stated): gnomAD 0.00016 and 0.00014; gnomAD exomes 0.00019 and 0.00022; TOPMed 0.00023; ESP Exome Variant Server 0.00017; ExAC 0.00022.
gnomAD v4.1: 308 of 1,613,976 alleles (0.019%); highest among the groups gnomAD compares: Middle Eastern, 0.46%; 1 homozygote.

Submissions (20):

CeGaT Center for Human Genetics Tuebingen
Classification: Likely benign. Last evaluated: 2026-07-01. Review status: criteria provided, single submitter. Criteria: CeGaT Center For Human Genetics Tuebingen Variant Classification Criteria Version 2. Collection method: clinical testing. Allele origin: germline. Affected: yes. Observed: 2 variant alleles.
Comment: TTN: BS1

PreventionGenetics, part of Exact Sciences
Classification: Likely benign for TTN-related condition. Last evaluated: 2025-08-14. Review status: criteria provided, single submitter. Criteria: ACMG Guidelines, 2015. Collection method: clinical testing. Allele origin: germline.
Comment: This variant is classified as likely benign based on ACMG/AMP sequence variant interpretation guidelines (Richards et al. 2015 PMID: 25741868, with internal and published modifications).

Molecular Diagnostic Laboratory for Inherited Cardiovascular Disease, Montreal Heart Institute
Classification: Likely benign. Last evaluated: 2025-04-09. Review status: criteria provided, single submitter. Criteria: ACMG Guidelines, 2015. Collection method: clinical testing. Allele origin: germline. Affected: no.

Blueprint Genetics
Classification: Likely benign. Last evaluated: 2024-11-01. Review status: criteria provided, single submitter. Criteria: ACMG Guidelines, 2015. Collection method: clinical testing. Allele origin: germline.

Women's Health and Genetics/Laboratory Corporation of America, LabCorp
Classification: Likely benign. Last evaluated: 2023-03-21. Review status: criteria provided, single submitter. Criteria: LabCorp Variant Classification Summary - May 2015. Collection method: clinical testing. Allele origin: germline.
Comment: Variant summary: TTN c.95173A>G (p.Lys31725Glu) results in a conservative amino acid change located in the M-band of the encoded protein sequence. Two of four in-silico tools predict a benign effect of the variant on protein function. The variant allele was found at a frequency of 0.00022 in 249004 control chromosomes, predominantly at a frequency of 0.00049 within the Latino subpopulation in the gnomAD database. The observed variant frequency within Latino control individuals in the gnomAD database is slightly higher than the estimated maximal expected allele frequency for a pathogenic variant in TTN causing Dilated Cardiomyopathy phenotype (0.00039), suggesting that the variant is a benign polymorphism found primarily in populations of Latino origin. Nine clinical diagnostic laboratories have submitted clinical-significance assessments for this variant to ClinVar after 2014 without evidence for independent evaluation. Multiple laboratories reported the variant with conflicting assessments (likely benign n=2, VUS n=7). Based on the evidence outlined above, the variant was classified as likely benign.

Department of Pathology and Laboratory Medicine, Sinai Health System
Classification: Uncertain significance for Tibial muscular dystrophy; Myopathy, myofibrillar, 9, with early respiratory failure; Dilated cardiomyopathy 1G; Autosomal recessive limb-girdle muscular dystrophy type 2J; Early-onset myopathy with fatal cardiomyopathy; Hypertrophic cardiomyopathy 9. Last evaluated: 2022-01-19. Review status: criteria provided, single submitter. Criteria: ACMG Guidelines, 2015. Collection method: research. Allele origin: germline.

Ambry Genetics
Classification: Likely benign for Cardiovascular phenotype. Last evaluated: 2020-03-24. Review status: criteria provided, single submitter. Criteria: Ambry Variant Classification Scheme 2023. Collection method: clinical testing. Allele origin: germline.

Athena Diagnostics
Classification: Uncertain significance. Last evaluated: 2018-10-22. Review status: criteria provided, single submitter. Criteria: Athena Diagnostics Criteria. Collection method: clinical testing. Allele origin: germline.

Baylor Genetics
Classification: Uncertain significance for Myopathy, myofibrillar, 9, with early respiratory failure. Last evaluated: 2018-03-30. Review status: criteria provided, single submitter. Criteria: ACMG Guidelines, 2015. Collection method: clinical testing. Allele origin: maternal. Affected: yes.
Comment: This variant was determined to be of uncertain significance according to ACMG Guidelines, 2015 [PMID:25741868].

GeneDx
Classification: Likely benign. Last evaluated: 2018-01-03. Review status: criteria provided, single submitter. Criteria: GeneDx Variant Classification (06012015). Collection method: clinical testing. Allele origin: germline. Affected: yes.
Comment: This variant is considered likely benign or benign based on one or more of the following criteria: it is a conservative change, it occurs at a poorly conserved position in the protein, it is predicted to be benign by multiple in silico algorithms, and/or has population frequency not consistent with disease.

Labcorp Genetics (formerly Invitae), Labcorp
Classification: Uncertain significance for Dilated cardiomyopathy 1G; Autosomal recessive limb-girdle muscular dystrophy type 2J. Last evaluated: 2017-12-27. Review status: criteria provided, single submitter. Criteria: Invitae Variant Classification Sherloc (09022015). Collection method: clinical testing. Allele origin: germline.

Genetic Services Laboratory, University of Chicago
Classification: Uncertain significance. Last evaluated: 2017-02-07. Review status: criteria provided, single submitter. Criteria: ACMG Guidelines, 2015. Collection method: clinical testing. Allele origin: germline. Affected: no.

CHEO Genetics Diagnostic Laboratory, Children's Hospital of Eastern Ontario
Classification: Uncertain significance for Cardiomyopathy. Last evaluated: 2016-05-02. Review status: criteria provided, single submitter. Criteria: ACMG Guidelines, 2015. Collection method: clinical testing. Allele origin: germline. Study: Canadian Open Genetics Repository.

Eurofins Ntd Llc (ga)
Classification: Uncertain significance. Last evaluated: 2015-12-18. Review status: criteria provided, single submitter. Criteria: EGL Classification Definitions 2015. Collection method: clinical testing. Allele origin: germline. Observed: 3 variant alleles, 2 heterozygotes.

Laboratory for Molecular Medicine, Mass General Brigham Personalized Medicine
Classification: Uncertain significance. Last evaluated: 2014-09-16. Review status: criteria provided, single submitter. Criteria: LMM Criteria. Collection method: clinical testing. Allele origin: germline. Observed: 5 variant alleles.
Comment: The p.Lys31725Glu variant in TTN has been identified by our laboratory in 1 adul t with DCM and 1 child with complex cardiomyopathy, both of whom carry an additi onal likely pathogenic variant, as well as 1 adolescent with DCM. This variant h as also been identified in 20/66678 European chromosomes by the Exome Aggregatio n Consortium (ExAC; dbSNP rs72629783). Computati onal prediction tools and conservation analysis do not provide strong support fo r or against an impact to the protein. In summary, the clinical significance of the p.Lys31725Glu variant is uncertain.

Biesecker Lab/Clinical Genomics Section, National Institutes of Health
Classification: Likely benign. Last evaluated: 2013-06-24. Review status: criteria provided, single submitter. Criteria: Ng et al. (Circ Cardiovasc Genet. 2013). Collection method: research. Allele origin: unknown. Observed: 2 variant alleles. Study: ClinSeq.
Comment: The study set was not selected for affection status in relation to any cancer. Pathogenicity categories were based on literature curation. See Pubmed ID:23861362 for details.

Medical sequencing

Genetics and Genomics Program, Sidra Medicine
Classification: Likely benign for Hypertrophic cardiomyopathy. Review status: criteria provided, single submitter. Criteria: ACMG Guidelines, 2015. Collection method: research. Allele origin: unknown. Affected: yes. Observed: 1 variant allele.

Institut für Laboratoriums- und Transfusionsmedizin, Herz- und Diabeteszentrum Nordrhein-Westfalen
Classification: Uncertain significance for Arrhythmogenic right ventricular dysplasia 9. Last evaluated: 2016-05-01. Review status: no assertion criteria provided. Collection method: clinical testing. Allele origin: germline. Affected: yes. Observed: 1 variant allele. Not counted in ClinVar's aggregate classification.

Diagnostic Laboratory, Department of Genetics, University Medical Center Groningen
Classification: Likely benign. Review status: no assertion criteria provided. Collection method: clinical testing. Allele origin: germline. Affected: yes. Study: VKGL Data-share Consensus. Not counted in ClinVar's aggregate classification.

Laboratory of Diagnostic Genome Analysis, Leiden University Medical Center (LUMC)
Classification: Likely benign. Review status: no assertion criteria provided. Collection method: clinical testing. Allele origin: germline. Affected: yes. Study: VKGL Data-share Consensus. Not counted in ClinVar's aggregate classification.

Literature cited by the submitters: PubMed 23861362 (cited by Ambry Genetics and Athena Diagnostics); PubMed 26567375 (cited by Ambry Genetics and Athena Diagnostics); PubMed 26676851 (cited by Ambry Genetics).

NM_001267550.2(TTN):c.102877A>G (p.Lys34293Glu)

Genes: TTN (titin; minus strand), TTN-AS1 (TTN antisense RNA 1; plus strand). Cytogenetic location: 2q31.2.
Variant type: single nucleotide variant.
Coding change: c.102877A>G on transcript NM_001267550.2 (MANE Select); coding-DNA position 102877, A replaced by G.
Protein change: p.Lys34293Glu; replaces lysine 34293 with glutamic acid.
Molecular consequence: missense variant.
Genome position (GRCh38, 1-based): chr2:178,533,738, T>C on the plus strand (A>G on the coding strand, the complement: TTN is on the minus strand). VCF-style: chr2-178533738-T-C. GRCh37 (hg19) VCF-style: chr2-179398465-T-C.
Other names: c.97954A>G, p.Lys32652Glu (NM_001256850.1); c.95173A>G, p.Lys31725Glu (NM_133378.4); c.75682A>G, p.Lys25228Glu (NM_003319.4); c.76057A>G, p.Lys25353Glu (NM_133432.3); c.76258A>G, p.Lys25420Glu (NM_133437.4); short protein forms K34293E, K31725E, K32652E, K25228E, K25353E, K25420E.
Identifiers: ClinVar variation 47656 (VCV000047656.38), dbSNP rs72629783, ClinGen allele CA141622.